The following is an entry in ClinVar:

NM_000091.4(COL4A3):c.830dup

Genes: MFF-DT (MFF divergent transcript; minus strand), COL4A3 (collagen type IV alpha 3 chain; plus strand). Cytogenetic location: 2q36.3.
Variant type: Duplication.
Coding change: c.830dup on transcript NM_000091.4; coding-DNA position 830, one base duplicated (G; older notation c.830dupG).
Genome position (GRCh38, 1-based): chr2:227,254,657, G duplicated; the last of 3 consecutive G bases (chr2:227,254,655-227,254,657); duplicating any one gives the same sequence. VCF-style (leftmost placement, unchanged base first): chr2-227254654-A-AG. GRCh37 (hg19) VCF-style: chr2-228119370-A-AG.
Identifiers: ClinVar variation 4817275 (VCV004817275.1).

ClinVar aggregate classification (germline): Likely pathogenic (1 of 4 stars; one submission).

Conditions:
Alport syndrome. Also called: Hemorrhagic familial nephritis; Hemorrhagic hereditary nephritis; Congenital hereditary hematuria. Identifiers: Orphanet 63, MedGen C1567741, MONDO:0018965.

Submission:

Natera, Inc.
Classification: Likely pathogenic for Alport syndrome. Last evaluated: 2024-12-31. Review status: criteria provided, single submitter. Criteria: Natera Variant Classification Schema (03/2026). Collection method: clinical testing. Allele origin: germline.
Comment: The c.830dup variant in COL4A3 is a frameshift variant predicted to shift the reading frame beginning at codon 278 and leads to a stop codon 9 codons downstream. This variant is expected to result in nonsense mediated decay, truncation, or a dysfunctional protein product. This variant is rare in the general population with a frequency below the threshold expected for the associated phenotype(s). Given the available evidence, this variant is classified as Likely Pathogenic.